The following is an entry in ClinVar:

ClinVar aggregate classification (germline): Conflicting classifications of pathogenicity. Review status: criteria provided, conflicting classifications (1 of 4 stars). 3 submissions from 3 submitters: Uncertain significance (1); Likely benign (2). Last evaluated 2018-06-26.

Conditions:
Autoinflammatory syndrome. Identifiers: Orphanet 93665, MedGen C3890737, MONDO:0019751.
TNF receptor-associated periodic fever syndrome (TRAPS) (FPF). Also called: TNF Receptor-Associated Periodic Fever Syndrome; TNF receptor 1-associated periodic fever syndrome; FAMILIAL HIBERNIAN FEVER; TNF RECEPTOR-ASSOCIATED PERIODIC SYNDROME; TUMOR NECROSIS FACTOR RECEPTOR-ASSOCIATED PERIODIC SYNDROME; Autosomal Dominant Familial Periodic Fever. Identifiers: Orphanet 32960, MedGen C1275126, MONDO:0007727, OMIM 142680.

Allele frequency attached by ClinVar (database versions not stated): 1000 Genomes Project 30x 0.00406; gnomAD 0.00289 and 0.00312; TOPMed 0.00327; 1000 Genomes Project 0.00379.
gnomAD v4.1: 936 of 1,376,182 alleles (0.068%); highest among the groups gnomAD compares: African/African-American, 1.1%; 6 homozygotes.

Submissions (3):

GeneDx
Classification: Likely benign. Last evaluated: 2018-06-26. Review status: criteria provided, single submitter. Criteria: GeneDx Variant Classification Process June 2021. Collection method: clinical testing. Allele origin: germline. Affected: yes.

Illumina Laboratory Services, Illumina
Classification: Likely benign for TNF receptor-associated periodic fever syndrome (TRAPS). Last evaluated: 2018-01-12. Review status: criteria provided, single submitter. Criteria: ICSL Variant Classification Criteria 13 December 2019. Collection method: clinical testing. Allele origin: germline.
Comment: This variant was observed in the ICSL laboratory as part of a predisposition screen in an ostensibly healthy population. It had not been previously curated by ICSL or reported in the Human Gene Mutation Database (HGMD: prior to June 1st, 2018), and was therefore a candidate for classification through an automated scoring system. Utilizing variant allele frequency, disease prevalence and penetrance estimates, and inheritance mode, an automated score was calculated to assess if this variant is too frequent to cause the disease. Based on the score and internal cut-off values, a variant classified as likely benign is not then subjected to further curation. The score for this variant resulted in a classification of likely benign for this disease.

Genome Diagnostics Laboratory, The Hospital for Sick Children
Classification: Uncertain significance for Autoinflammatory syndrome. Last evaluated: 2017-01-06. Review status: criteria provided, single submitter. Criteria: ACMG Guidelines, 2015. Collection method: clinical testing. Allele origin: germline. Affected: yes.

NM_001065.4(TNFRSF1A):c.-96C>T

Genes: TNFRSF1A (TNF receptor superfamily member 1A; minus strand), LOC130007233 (ATAC-STARR-seq lymphoblastoid active region 5850; plus strand). Cytogenetic location: 12p13.31.
Variant type: single nucleotide variant.
Coding change: c.-96C>T on transcript NM_001065.4 (MANE Select); 96 bases upstream of the start codon, C replaced by T.
Molecular consequence: 5 prime UTR variant. On other transcripts: non-coding transcript variant (1).
Genome position (GRCh38, 1-based): chr12:6,341,910, G>A on the plus strand (C>T on the coding strand, the complement: TNFRSF1A is on the minus strand). VCF-style: chr12-6341910-G-A. GRCh37 (hg19) VCF-style: chr12-6451076-G-A.
Other names: c.-266C>T (NM_001346091.2); c.-673C>T (NM_001346092.2).
Identifiers: ClinVar variation 310114 (VCV000310114.13), dbSNP rs115164694, ClinGen allele CA10643126.